The following is an entry in ClinVar:

ClinVar aggregate classification (germline): Uncertain significance. Review status: criteria provided, multiple submitters, no conflicts (2 of 4 stars). 2 submissions from 2 submitters: Uncertain significance (2). Last evaluated 2025-11-12.

Conditions:
Inborn genetic diseases. Identifiers: MedGen C0950123, MeSH D030342.

Allele frequency attached by ClinVar (database versions not stated): TOPMed 0.00003; ExAC 0.00001; gnomAD 0.00001; gnomAD exomes below 0.00001.
gnomAD v4.1: 2 of 1,606,134 alleles (0.00012%); highest among the groups gnomAD compares: African/African-American, 0.0027%; no homozygotes.

Submissions (2):

Ambry Genetics
Classification: Uncertain significance for Inborn genetic diseases. Last evaluated: 2025-11-12. Review status: criteria provided, single submitter. Criteria: Ambry Variant Classification Scheme 2023. Collection method: clinical testing. Allele origin: germline.

Labcorp Genetics (formerly Invitae), Labcorp
Classification: Uncertain significance. Last evaluated: 2021-08-15. Review status: criteria provided, single submitter. Criteria: Invitae Variant Classification Sherloc (09022015). Collection method: clinical testing. Allele origin: germline.
Comment: This sequence change replaces cysteine with serine at codon 430 of the GTPBP3 protein (p.Cys430Ser). The cysteine residue is highly conserved and there is a moderate physicochemical difference between cysteine and serine. This variant is present in population databases (rs781044822, ExAC 0.01%). This variant has not been reported in the literature in individuals affected with GTPBP3-related conditions. Algorithms developed to predict the effect of missense changes on protein structure and function are either unavailable or do not agree on the potential impact of this missense change (SIFT: "Deleterious"; PolyPhen-2: "Probably Damaging"; Align-GVGD: "Class C0"). Algorithms developed to predict the effect of sequence changes on RNA splicing suggest that this variant may create or strengthen a splice site. In summary, the available evidence is currently insufficient to determine the role of this variant in disease. Therefore, it has been classified as a Variant of Uncertain Significance.

NM_032620.4(GTPBP3):c.1192T>A (p.Cys398Ser)

Gene: GTPBP3 (GTP binding protein 3, mitochondrial; plus strand). Cytogenetic location: 19p13.11.
Variant type: single nucleotide variant.
Coding change: c.1192T>A on transcript NM_032620.4 (MANE Select); coding-DNA position 1192, T replaced by A.
Protein change: p.Cys398Ser; replaces cysteine 398 with serine.
Molecular consequence: missense variant.
Genome position (GRCh38, 1-based): chr19:17,341,261, T>A. VCF-style: chr19-17341261-T-A. GRCh37 (hg19) VCF-style: chr19-17452070-T-A.
Other names: c.1129T>A, p.Cys377Ser (NM_001128855.3); c.1258T>A, p.Cys420Ser (NM_001195422.1); c.1288T>A, p.Cys430Ser (NM_133644.4); c.1288T>A (NM_133644.3); short protein forms C398S, C430S, C377S, C420S.
Identifiers: ClinVar variation 1375179 (VCV001375179.4), dbSNP rs781044822, ClinGen allele CA9293663.